The following is an entry in ClinVar:

NM_001278116.2(L1CAM):c.1360_1426del67 (p.Val455fs)

Gene: L1CAM (L1 cell adhesion molecule; minus strand). Cytogenetic location: Xq28.
Variant type: Deletion.
Coding change: c.1360_1426del67 on transcript NM_001278116.2 (MANE Select); coding-DNA positions 1360 to 1426, 67 bases deleted.
Protein change: p.Val455fs; shifts the reading frame from valine 455.
Molecular consequence: frameshift variant, splice acceptor variant, splice donor variant.
Genome position: GRCh38: chrX:153,868,681-153,868,860. GRCh37 (hg19): chrX:153,134,136-153,134,315.
Other names: c.1360_1426del67, p.Val455fs (NM_000425.5, NM_024003.3); c.1345_1411del67, p.Val450fs (NM_001143963.2); short protein forms V450fs, V455fs.
Identifiers: ClinVar variation 4823493 (VCV004823493.4).

ClinVar aggregate classification (germline): Pathogenic (1 of 4 stars; one submission).

Submission:

CeGaT Center for Human Genetics Tuebingen
Classification: Pathogenic. Last evaluated: 2026-02-01. Review status: criteria provided, single submitter. Criteria: CeGaT Center For Human Genetics Tuebingen Variant Classification Criteria Version 2. Collection method: clinical testing. Allele origin: germline. Affected: yes. Observed: 1 variant allele.
Comment: L1CAM: PVS1, PM2